The following is an entry in ClinVar:

ClinVar aggregate classification (germline): Uncertain significance. Review status: criteria provided, multiple submitters, no conflicts (2 of 4 stars). 3 submissions from 3 submitters: Uncertain significance (3). Last evaluated 2025-06-11.

Conditions:
Epilepsy, progressive myoclonic, 1B. Also called: PME. Identifiers: Orphanet 308, MedGen C2676254, MONDO:0012904, OMIM 612437.

Allele frequency attached by ClinVar (database versions not stated): ExAC 0.00004; TOPMed 0.00005; gnomAD exomes 0.00011.
gnomAD v4.1: 34 of 1,613,974 alleles (0.0021%); highest among the groups gnomAD compares: Admixed American, 0.05%; no homozygotes.

Submissions (3):

Ambry Genetics
Classification: Uncertain significance. Last evaluated: 2025-06-11. Review status: criteria provided, single submitter. Criteria: Ambry Variant Classification Scheme 2023. Collection method: clinical testing. Allele origin: germline.
Comment: Does not currently meet published gene-disease clinical validity criteria Based on insufficient or conflicting evidence, the clinical significance of this alteration remains unclear.

Athena Diagnostics
Classification: Uncertain significance. Last evaluated: 2025-02-11. Review status: criteria provided, single submitter. Criteria: Athena Diagnostics Criteria. Collection method: clinical testing. Allele origin: unknown.
Comment: Available data are insufficient to determine the clinical significance of the variant at this time. The frequency of this variant in the general population is higher than would generally be expected for pathogenic variants in this gene. Polyphen and MutationTaster predict this amino acid change may be benign.

Labcorp Genetics (formerly Invitae), Labcorp
Classification: Uncertain significance for Epilepsy, progressive myoclonic, 1B. Last evaluated: 2023-11-27. Review status: criteria provided, single submitter. Criteria: Invitae Variant Classification Sherloc (09022015). Collection method: clinical testing. Allele origin: germline.
Comment: This sequence change replaces methionine, which is neutral and non-polar, with threonine, which is neutral and polar, at codon 471 of the PRICKLE1 protein (p.Met471Thr). This variant is present in population databases (rs777597253, gnomAD 0.09%). This variant has not been reported in the literature in individuals affected with PRICKLE1-related conditions. ClinVar contains an entry for this variant (Variation ID: 568656). Advanced modeling of protein sequence and biophysical properties (such as structural, functional, and spatial information, amino acid conservation, physicochemical variation, residue mobility, and thermodynamic stability) performed at Invitae indicates that this missense variant is not expected to disrupt PRICKLE1 protein function with a negative predictive value of 80%. In summary, the available evidence is currently insufficient to determine the role of this variant in disease. Therefore, it has been classified as a Variant of Uncertain Significance.

Literature cited by the submitters: PubMed 28106320 (cited by Ambry Genetics); PubMed 31440721 (cited by Athena Diagnostics).

NM_153026.3(PRICKLE1):c.1412T>C (p.Met471Thr)

Gene: PRICKLE1 (prickle planar cell polarity protein 1; minus strand). Cytogenetic location: 12q12.
Variant type: single nucleotide variant.
Coding change: c.1412T>C on transcript NM_153026.3 (MANE Select); coding-DNA position 1412, T replaced by C.
Protein change: p.Met471Thr; replaces methionine 471 with threonine.
Molecular consequence: missense variant.
Genome position (GRCh38, 1-based): chr12:42,464,622, A>G on the plus strand (T>C on the coding strand, the complement: PRICKLE1 is on the minus strand). VCF-style: chr12-42464622-A-G. GRCh37 (hg19) VCF-style: chr12-42858424-A-G.
Other names: c.1412T>C, p.Met471Thr (NM_001144881.2, NM_001144882.2, NM_001144883.2); short protein forms M471T.
Identifiers: ClinVar variation 568656 (VCV000568656.11), dbSNP rs777597253, ClinGen allele CA6519752.